The following is an entry in ClinVar:

NM_001042424.3(NSD2):c.2881+5G>A

Gene: NSD2 (nuclear receptor binding SET domain protein 2; plus strand). Cytogenetic location: 4p16.3.
Variant type: single nucleotide variant.
Coding change: c.2881+5G>A on transcript NM_001042424.3 (MANE Select); 5 bases into the intron after coding-DNA position 2881, G replaced by A.
Molecular consequence: intron variant.
Genome position (GRCh38, 1-based): chr4:1,956,193, G>A. VCF-style: chr4-1956193-G-A. GRCh37 (hg19) VCF-style: chr4-1957920-G-A.
Other names: c.2881+5G>A (NM_133330.3, NM_133331.3, NM_133335.4).
Identifiers: ClinVar variation 3202288 (VCV003202288.1), dbSNP rs2474639850, ClinGen allele CA2825001289.

ClinVar aggregate classification (germline): Uncertain significance (1 of 4 stars; one submission).

Conditions:
Inborn genetic diseases. Identifiers: MedGen C0950123, MeSH D030342.

Submission:

Ambry Genetics
Classification: Uncertain significance for Inborn genetic diseases. Last evaluated: 2023-11-28. Review status: criteria provided, single submitter. Criteria: Ambry Variant Classification Scheme 2023. Collection method: clinical testing. Allele origin: germline.
Comment: The c.2881+5G>A intronic alteration results from G to A substitution 5 nucleotides after coding exon 14 in the WHSC1 gene. This variant was not reported in population-based cohorts in the Genome Aggregation Database (gnomAD). This nucleotide position is not well conserved in available vertebrate species. In silico splice site analysis predicts that this alteration may weaken the native splice donor site. Based on insufficient or conflicting evidence, the clinical significance of this alteration remains unclear.